The following is an entry in ClinVar:

ClinVar aggregate classification (germline): Benign. Review status: criteria provided, single submitter (1 of 4 stars). 2 submissions from 2 submitters: Benign (1). 1 of the submissions does not count toward it. Last evaluated 2024-10-17.

Conditions:
ATRX-related disorder. Also called: ATRX-related condition.
Alpha thalassemia-X-linked intellectual disability syndrome (ATRX). Also called: ALPHA-THALASSEMIA/MENTAL RETARDATION SYNDROME, X-LINKED; ATR, NONDELETION TYPE; ATR-X syndrome; Alpha thalassemia mental retardation syndrome, nondeletion type, X-linked; XLMR hypotonic face syndrome; X-linked alpha-thalassemia-mental retardation syndrome. Identifiers: Orphanet 847, MedGen C1845055, MONDO:0010519, OMIM 301040.

Submissions (2):

Labcorp Genetics (formerly Invitae), Labcorp
Classification: Benign for Alpha thalassemia-X-linked intellectual disability syndrome. Last evaluated: 2024-10-17. Review status: criteria provided, single submitter. Criteria: Invitae Variant Classification Sherloc (09022015). Collection method: clinical testing. Allele origin: germline.

PreventionGenetics, part of Exact Sciences
Classification: Uncertain significance for ATRX-related condition. Last evaluated: 2024-06-25. Review status: no assertion criteria provided. Collection method: clinical testing. Allele origin: germline. Not counted in ClinVar's aggregate classification.
Comment: The ATRX c.7436T>C variant is predicted to result in the amino acid substitution p.Met2479Thr. To our knowledge, this variant has not been reported in the literature or in a large population database, indicating this variant is rare. At this time, the clinical significance of this variant is uncertain due to the absence of conclusive functional and genetic evidence.

NM_000489.6(ATRX):c.7436T>C (p.Met2479Thr)

Gene: ATRX (ATRX chromatin remodeler; minus strand). Cytogenetic location: Xq21.1.
Variant type: single nucleotide variant.
Coding change: c.7436T>C on transcript NM_000489.6 (MANE Select); coding-DNA position 7436, T replaced by C.
Protein change: p.Met2479Thr; replaces methionine 2479 with threonine.
Molecular consequence: missense variant.
Genome position (GRCh38, 1-based): chrX:77,508,394, A>G on the plus strand (T>C on the coding strand, the complement: ATRX is on the minus strand). VCF-style: chrX-77508394-A-G. GRCh37 (hg19) VCF-style: chrX-76763872-A-G.
Other names: c.7436T>C (NM_000489.4); c.7322T>C, p.Met2441Thr (NM_138270.5); short protein forms M2441T, M2479T.
Identifiers: ClinVar variation 2832232 (VCV002832232.4), dbSNP rs2519896571, ClinGen allele CA413703629.